The following is an entry in ClinVar:

ClinVar aggregate classification (germline): Uncertain significance (1 of 4 stars; one submission).

Conditions:
Emery-Dreifuss muscular dystrophy 5, autosomal dominant (EDMD5). Also called: EMERY-DREIFUSS MUSCULAR DYSTROPHY 5. Identifiers: Orphanet 261, MedGen C2751805, MONDO:0013072, OMIM 612999.

Submission:

Labcorp Genetics (formerly Invitae), Labcorp
Classification: Uncertain significance for Emery-Dreifuss muscular dystrophy 5, autosomal dominant. Last evaluated: 2025-10-29. Review status: criteria provided, single submitter. Criteria: Invitae Variant Classification Sherloc (09022015). Collection method: clinical testing. Allele origin: germline.
Comment: This sequence change replaces lysine, which is basic and polar, with asparagine, which is neutral and polar, at codon 2350 of the SYNE2 protein (p.Lys2350Asn). This variant is not present in population databases (gnomAD no frequency). This variant has not been reported in the literature in individuals affected with SYNE2-related conditions. An algorithm developed to predict the effect of missense changes on protein structure and function (PolyPhen-2) suggests that this variant is likely to be disruptive. Algorithms developed to predict the effect of sequence changes on RNA splicing suggest that this variant may create or strengthen a splice site. In summary, the available evidence is currently insufficient to determine the role of this variant in disease. Therefore, it has been classified as a Variant of Uncertain Significance.

NM_182914.3(SYNE2):c.7050G>C (p.Lys2350Asn)

Gene: SYNE2 (spectrin repeat containing nuclear envelope protein 2; plus strand). Cytogenetic location: 14q23.2.
Variant type: single nucleotide variant.
Coding change: c.7050G>C on transcript NM_182914.3 (MANE Select); coding-DNA position 7050, G replaced by C.
Protein change: p.Lys2350Asn; replaces lysine 2350 with asparagine.
Molecular consequence: missense variant.
Genome position (GRCh38, 1-based): chr14:64,031,186, G>C. VCF-style: chr14-64031186-G-C. GRCh37 (hg19) VCF-style: chr14-64497904-G-C.
Other names: c.7050G>C, p.Lys2350Asn (NM_015180.6); short protein forms K2350N.
Identifiers: ClinVar variation 4730138 (VCV004730138.1).